The following is an entry in ClinVar:

ClinVar aggregate classification (germline): Likely benign. Review status: criteria provided, multiple submitters, no conflicts (2 of 4 stars). 3 submissions from 3 submitters: Likely benign (2). 1 of the submissions does not count toward it. Last evaluated 2024-11-25.

Conditions:
PRG4-related disorder. Also called: PRG4-related condition.

Allele frequency attached by ClinVar (database versions not stated): TOPMed 0.00006; gnomAD 0.00009; gnomAD exomes 0.00019; ExAC 0.00034; 1000 Genomes Project 0.00060; 1000 Genomes Project 30x 0.00062.

Submissions (3):

Blueprint Genetics
Classification: Likely benign. Last evaluated: 2024-11-25. Review status: criteria provided, single submitter. Criteria: ACMG Guidelines, 2015. Collection method: clinical testing. Allele origin: germline.

CeGaT Center for Human Genetics Tuebingen
Classification: Likely benign. Last evaluated: 2023-03-01. Review status: criteria provided, single submitter. Criteria: CeGaT Center For Human Genetics Tuebingen Variant Classification Criteria Version 2. Collection method: clinical testing. Allele origin: germline. Affected: yes. Observed: 1 variant allele.
Comment: PRG4: BP4, BP7, BS2

PreventionGenetics, part of Exact Sciences
Classification: Likely benign for PRG4-related condition. Last evaluated: 2019-05-23. Review status: no assertion criteria provided. Collection method: clinical testing. Allele origin: germline. Not counted in ClinVar's aggregate classification.
Comment: This variant is classified as likely benign based on ACMG/AMP sequence variant interpretation guidelines (Richards et al. 2015 PMID: 25741868, with internal and published modifications).

NM_005807.6(PRG4):c.3714A>G (p.Gly1238=)

Gene: PRG4 (proteoglycan 4; plus strand). Cytogenetic location: 1q31.1.
Variant type: single nucleotide variant.
Coding change: c.3714A>G on transcript NM_005807.6 (MANE Select); coding-DNA position 3714, A replaced by G.
Protein change: p.Gly1238=; no amino-acid change (glycine 1238 retained).
Molecular consequence: synonymous variant.
Genome position (GRCh38, 1-based): chr1:186,311,517, A>G. VCF-style: chr1-186311517-A-G. GRCh37 (hg19) VCF-style: chr1-186280649-A-G.
Other names: c.3714A>G (NM_005807.4); c.3591A>G, p.Gly1197= (NM_001127708.3); c.3435A>G, p.Gly1145= (NM_001127709.3); c.3312A>G, p.Gly1104= (NM_001127710.3); c.3585A>G, p.Gly1195= (NM_001303232.2).
Identifiers: ClinVar variation 2639664 (VCV002639664.26), dbSNP rs532167626, ClinGen allele CA1296722.
Genomic context (GRCh38, chr1:186,311,517, plus strand): 5'-TTTTACCAATGATATAAAAGATGCAGGGTACCCCAAACCAATTTTCAAAGGATTTGGAGG[A>G]CTAACTGGACAAATAGTGGCAGCGCTTTCAACAGCTAAATATAAGAACTGGCCTGAATCT-3'
Protein context (NP_005798.3, residues 1228-1248): YPKPIFKGFG[Gly1238=]LTGQIVAALS